The following is an entry in ClinVar:

NM_080916.3(DGUOK):c.198C>A (p.His66Gln)

Gene: DGUOK (deoxyguanosine kinase; plus strand). Cytogenetic location: 2p13.1.
Variant type: single nucleotide variant.
Coding change: c.198C>A on transcript NM_080916.3 (MANE Select); coding-DNA position 198, C replaced by A.
Protein change: p.His66Gln; replaces histidine 66 with glutamine.
Molecular consequence: missense variant. On other transcripts: intron variant (4).
Genome position (GRCh38, 1-based): chr2:73,938,965, C>A. VCF-style: chr2-73938965-C-A. GRCh37 (hg19) VCF-style: chr2-74166092-C-A.
Other names: c.198C>A (NM_080916.2, NM_080916.1); c.198C>A, p.His66Gln (NM_001318859.2, NM_080918.3); c.-37+6282C>A (NM_001318861.2, NM_001318862.2); c.-36-7754C>A (NM_001318860.2, NM_001318863.2); short protein forms H66Q.
Identifiers: ClinVar variation 594276 (VCV000594276.10), dbSNP rs138034585, ClinGen allele CA1718194.

ClinVar aggregate classification (germline): Conflicting classifications of pathogenicity. Review status: criteria provided, conflicting classifications (1 of 4 stars). 4 submissions from 4 submitters: Uncertain significance (2); Likely benign (1). 1 of the submissions does not count toward it. Last evaluated 2026-02-01.

Conditions:
DGUOK-related disorder. Also called: DGUOK-related condition.

Allele frequency attached by ClinVar (database versions not stated): TOPMed 0.00022; ESP Exome Variant Server 0.00031; 1000 Genomes Project 0.00060; 1000 Genomes Project 30x 0.00062.
gnomAD v4.1: 60 of 1,614,032 alleles (0.0037%); highest among the groups gnomAD compares: African/African-American, 0.069%; no homozygotes.

Submissions (4):

Labcorp Genetics (formerly Invitae), Labcorp
Classification: Likely benign. Last evaluated: 2026-02-01. Review status: criteria provided, single submitter. Criteria: Invitae Variant Classification Sherloc (09022015). Collection method: clinical testing. Allele origin: germline.

GeneDx
Classification: Uncertain significance. Last evaluated: 2024-11-20. Review status: criteria provided, single submitter. Criteria: GeneDx Variant Classification Process June 2021. Collection method: clinical testing. Allele origin: germline. Affected: yes.
Comment: In silico analysis indicates that this missense variant does not alter protein structure/function; Has not been previously published as pathogenic or benign to our knowledge

Eurofins Ntd Llc (ga)
Classification: Uncertain significance. Last evaluated: 2017-10-12. Review status: criteria provided, single submitter. Criteria: EGL Classification Definitions 2015. Collection method: clinical testing. Allele origin: germline. Observed: 2 variant alleles, 2 heterozygotes.

PreventionGenetics, part of Exact Sciences
Classification: Uncertain significance for DGUOK-related condition. Last evaluated: 2024-01-26. Review status: no assertion criteria provided. Collection method: clinical testing. Allele origin: germline. Not counted in ClinVar's aggregate classification.
Comment: The DGUOK c.198C>A variant is predicted to result in the amino acid substitution p.His66Gln. To our knowledge, this variant has not been reported in the literature. This variant is reported in 0.064% of alleles in individuals of African descent in gnomAD. Although we suspect that this variant may be benign, at this time, the clinical significance of this variant is uncertain due to the absence of conclusive functional and genetic evidence.